The following is an entry in ClinVar:

NM_003545.4(H4C5):c.121C>T (p.Arg41Cys)

Genes: H4C5 (H4 clustered histone 5; plus strand), LOC129996027 (ATAC-STARR-seq lymphoblastoid active region 24208; plus strand). Cytogenetic location: 6p22.2.
Variant type: single nucleotide variant.
Coding change: c.121C>T on transcript NM_003545.4 (MANE Select); coding-DNA position 121, C replaced by T.
Protein change: p.Arg41Cys; replaces arginine 41 with cysteine.
Molecular consequence: missense variant.
Genome position (GRCh38, 1-based): chr6:26,204,765, C>T. VCF-style: chr6-26204765-C-T. GRCh37 (hg19) VCF-style: chr6-26204993-C-T.
Other names: short protein forms R41C.
Identifiers: ClinVar variation 3390621 (VCV003390621.1).

ClinVar aggregate classification (germline): Pathogenic (1 of 4 stars; one submission).

Submission:

GeneDx
Classification: Pathogenic. Last evaluated: 2024-06-12. Review status: criteria provided, single submitter. Criteria: GeneDx Variant Classification Process June 2021. Collection method: clinical testing. Allele origin: germline. Affected: yes.
Comment: In silico analysis supports that this missense variant has a deleterious effect on protein structure/function; Not observed at significant frequency in large population cohorts (gnomAD); This variant is associated with the following publications: (PMID: 33057194, 35982159, 28920961, 35202563)